The following is an entry in ClinVar:

ClinVar aggregate classification (germline): Likely pathogenic (1 of 4 stars; one submission).

Conditions:
Kleefstra syndrome 1 (KLEFS1). Identifiers: Orphanet 261494, MedGen C0795833, MONDO:0027407, OMIM 610253.

Submission:

Labcorp Genetics (formerly Invitae), Labcorp
Classification: Likely pathogenic for Kleefstra syndrome 1. Last evaluated: 2024-05-20. Review status: criteria provided, single submitter. Criteria: Invitae Variant Classification Sherloc (09022015). Collection method: clinical testing. Allele origin: germline.
Comment: This sequence change replaces glutamine, which is neutral and polar, with arginine, which is basic and polar, at codon 116 of the EHMT1 protein (p.Gln116Arg). This variant is not present in population databases (gnomAD no frequency). This missense change has been observed in individual(s) with clinical features of Kleefstra syndrome (Invitae). In at least one individual the variant was observed to be de novo. ClinVar contains an entry for this variant (Variation ID: 1908722). An algorithm developed to predict the effect of missense changes on protein structure and function (PolyPhen-2) suggests that this variant is likely to be disruptive. In summary, the currently available evidence indicates that the variant is pathogenic, but additional data are needed to prove that conclusively. Therefore, this variant has been classified as Likely Pathogenic.

NM_024757.5(EHMT1):c.347A>G (p.Gln116Arg)

Gene: EHMT1 (euchromatic histone lysine methyltransferase 1; plus strand). Cytogenetic location: 9q34.3.
Variant type: single nucleotide variant.
Coding change: c.347A>G on transcript NM_024757.5 (MANE Select); coding-DNA position 347, A replaced by G.
Protein change: p.Gln116Arg; replaces glutamine 116 with arginine.
Molecular consequence: missense variant.
Genome position (GRCh38, 1-based): chr9:137,716,887, A>G. VCF-style: chr9-137716887-A-G. GRCh37 (hg19) VCF-style: chr9-140611339-A-G.
Other names: c.347A>G, p.Gln116Arg (NM_001145527.2, NM_001354263.2, NM_001354611.2); c.254A>G, p.Gln85Arg (NM_001354259.2, NM_001354612.2); short protein forms Q116R, Q85R.
Identifiers: ClinVar variation 1908722 (VCV001908722.5), dbSNP rs2541033401, ClinGen allele CA375764523.